The following is an entry in ClinVar:

NM_000722.4(CACNA2D1):c.1918A>G (p.Asn640Asp)

Gene: CACNA2D1 (calcium voltage-gated channel auxiliary subunit alpha2delta 1; minus strand). Cytogenetic location: 7q21.11.
Variant type: single nucleotide variant.
Coding change: c.1918A>G on transcript NM_000722.4 (MANE Select); coding-DNA position 1918, A replaced by G.
Protein change: p.Asn640Asp; replaces asparagine 640 with aspartic acid.
Molecular consequence: missense variant.
Genome position (GRCh38, 1-based): chr7:81,982,604, T>C on the plus strand (A>G on the coding strand, the complement: CACNA2D1 is on the minus strand). VCF-style: chr7-81982604-T-C. GRCh37 (hg19) VCF-style: chr7-81611920-T-C.
Other names: c.1954A>G, p.Asn652Asp (NM_001366867.1); short protein forms N640D, N652D.
Identifiers: ClinVar variation 3994526 (VCV003994526.1).

ClinVar aggregate classification (germline): Uncertain significance (1 of 4 stars; one submission).

Conditions:
Cardiovascular phenotype. Identifiers: MedGen CN230736.

gnomAD v4.1: 12 of 1,608,792 alleles (0.00075%); highest among the groups gnomAD compares: Admixed American, 0.0017%; no homozygotes.

Submission:

Ambry Genetics
Classification: Uncertain significance for Cardiovascular phenotype. Last evaluated: 2025-04-24. Review status: criteria provided, single submitter. Criteria: Ambry Variant Classification Scheme 2023. Collection method: clinical testing. Allele origin: germline.
Comment: The p.N640D variant (also known as c.1918A>G), located in coding exon 24 of the CACNA2D1 gene, results from an A to G substitution at nucleotide position 1918. The asparagine at codon 640 is replaced by aspartic acid, an amino acid with highly similar properties. This amino acid position is conserved. In addition, this alteration is predicted to be tolerated by in silico analysis. Based on the available evidence, the clinical significance of this variant remains unclear.